The following is an entry in ClinVar:

NM_000257.4(MYH7):c.3623A>G (p.Asp1208Gly)

Gene: MYH7 (myosin heavy chain 7; minus strand). Cytogenetic location: 14q11.2.
Variant type: single nucleotide variant.
Coding change: c.3623A>G on transcript NM_000257.4 (MANE Select); coding-DNA position 3623, A replaced by G.
Protein change: p.Asp1208Gly; replaces aspartic acid 1208 with glycine.
Molecular consequence: missense variant.
Genome position (GRCh38, 1-based): chr14:23,419,948, T>C on the plus strand (A>G on the coding strand, the complement: MYH7 is on the minus strand). VCF-style: chr14-23419948-T-C. GRCh37 (hg19) VCF-style: chr14-23889157-T-C.
Other names: c.3623A>G, p.Asp1208Gly (NM_001407004.1); short protein forms D1208G.
Identifiers: ClinVar variation 3609691 (VCV003609691.2).
Genomic context (GRCh38, chr14:23,419,948, plus strand): 5'-AGCTCCAGCTTGAACTCGCTCTTCTCCTTCTCCAGCTTCTGCTTCACCCGCTGCAGGTTG[T>C]CGATCTGCTCGCCCAGCTCGGCCACGCTGTCGGCGTGCTTCTTGCGCAGGGCCGCGGCAG-3'
Protein context (NP_000248.2, residues 1198-1218): DSVAELGEQI[Asp1208Gly]NLQRVKQKLE

ClinVar aggregate classification (germline): Likely pathogenic (1 of 4 stars; one submission).

Conditions:
Hypertrophic cardiomyopathy. Also called: HYPERTROPHIC MYOCARDIOPATHY. Identifiers: Orphanet 217569, MedGen C0007194, MeSH D002312, MONDO:0005045, HP:0001639.

Submission:

Labcorp Genetics (formerly Invitae), Labcorp
Classification: Likely pathogenic for Hypertrophic cardiomyopathy. Last evaluated: 2024-11-18. Review status: criteria provided, single submitter. Criteria: Invitae Variant Classification Sherloc (09022015). Collection method: clinical testing. Allele origin: germline.
Comment: This sequence change replaces aspartic acid, which is acidic and polar, with glycine, which is neutral and non-polar, at codon 1208 of the MYH7 protein (p.Asp1208Gly). This variant is not present in population databases (gnomAD no frequency). This missense change has been observed in individual(s) with hypertrophic cardiomyopathy (PMID: 29398688). Invitae Evidence Modeling of protein sequence and biophysical properties (such as structural, functional, and spatial information, amino acid conservation, physicochemical variation, residue mobility, and thermodynamic stability) indicates that this missense variant is expected to disrupt MYH7 protein function with a positive predictive value of 95%. This variant disrupts the p.Asp1208 amino acid residue in MYH7. Other variant(s) that disrupt this residue have been determined to be pathogenic (PMID: 23396983, 24111713, 27532257, 33673806; internal data). This suggests that this residue is clinically significant, and that variants that disrupt this residue are likely to be disease-causing. In summary, the currently available evidence indicates that the variant is pathogenic, but additional data are needed to prove that conclusively. Therefore, this variant has been classified as Likely Pathogenic.

Literature cited by the submitters: PubMed 29398688; PubMed 23396983; PubMed 24111713; PubMed 27532257; PubMed 33673806.